The following is an entry in ClinVar:

ClinVar aggregate classification (germline): Uncertain significance (1 of 4 stars; one submission).

Allele frequency attached by ClinVar (database versions not stated): gnomAD exomes below 0.00001.
gnomAD v4.1: 1 of 1,613,844 alleles (0.000062%); highest among the groups gnomAD compares: Non-Finnish European, 0.000085%; no homozygotes.

Submission:

Labcorp Genetics (formerly Invitae), Labcorp
Classification: Uncertain significance. Last evaluated: 2022-02-21. Review status: criteria provided, single submitter. Criteria: Invitae Variant Classification Sherloc (09022015). Collection method: clinical testing. Allele origin: germline.
Comment: In summary, the available evidence is currently insufficient to determine the role of this variant in disease. Therefore, it has been classified as a Variant of Uncertain Significance. Algorithms developed to predict the effect of missense changes on protein structure and function (SIFT, PolyPhen-2, Align-GVGD) all suggest that this variant is likely to be disruptive. This variant has not been reported in the literature in individuals affected with IMPG1-related conditions. This variant is not present in population databases (gnomAD no frequency). This sequence change replaces isoleucine, which is neutral and non-polar, with arginine, which is basic and polar, at codon 672 of the IMPG1 protein (p.Ile672Arg).

NM_001563.4(IMPG1):c.2015T>G (p.Ile672Arg)

Gene: IMPG1 (interphotoreceptor matrix proteoglycan 1; minus strand). Cytogenetic location: 6q14.1.
Variant type: single nucleotide variant.
Coding change: c.2015T>G on transcript NM_001563.4 (MANE Select); coding-DNA position 2015, T replaced by G.
Protein change: p.Ile672Arg; replaces isoleucine 672 with arginine.
Molecular consequence: missense variant.
Genome position (GRCh38, 1-based): chr6:75,947,343, A>C on the plus strand (T>G on the coding strand, the complement: IMPG1 is on the minus strand). VCF-style: chr6-75947343-A-C. GRCh37 (hg19) VCF-style: chr6-76657060-A-C.
Other names: c.1781T>G, p.Ile594Arg (NM_001282368.2); short protein forms I672R, I594R.
Identifiers: ClinVar variation 2097386 (VCV002097386.4), dbSNP rs2535891721, ClinGen allele CA364775009.